The following is an entry in ClinVar:

NM_172250.3(MMAA):c.889G>A (p.Val297Met)

Gene: MMAA (metabolism of cobalamin associated A; plus strand). Cytogenetic location: 4q31.21.
Variant type: single nucleotide variant.
Coding change: c.889G>A on transcript NM_172250.3 (MANE Select); coding-DNA position 889, G replaced by A.
Protein change: p.Val297Met; replaces valine 297 with methionine.
Molecular consequence: missense variant.
Genome position (GRCh38, 1-based): chr4:145,654,063, G>A. VCF-style: chr4-145654063-G-A. GRCh37 (hg19) VCF-style: chr4-146575215-G-A.
Other names: c.889G>A, p.Val297Met (NM_001375644.1); short protein forms V297M.
Identifiers: ClinVar variation 2141810 (VCV002141810.1), dbSNP rs1728164807, ClinGen allele CA358342925.

ClinVar aggregate classification (germline): Uncertain significance (1 of 4 stars; one submission).

Conditions:
Methylmalonic aciduria, cblA type (MACA). Also called: Methylmalonic aciduria, vitamin B12-responsive; Vitamin B12-responsive methylmalonic acidemia type cblA; Methylmalonic aciduria, vitamin b12-responsive, due to defect in synthesis of adenosylcobalamin, cbla complementation type; MMA cbl A type; Methylmalonic acidemia cblA type. Identifiers: Orphanet 28, Orphanet 79310, MedGen C1855109, MONDO:0009613, OMIM 251100.

Submission:

Labcorp Genetics (formerly Invitae), Labcorp
Classification: Uncertain significance for Methylmalonic aciduria, cblA type. Last evaluated: 2021-02-07. Review status: criteria provided, single submitter. Criteria: Invitae Variant Classification Sherloc (09022015). Collection method: clinical testing. Allele origin: germline.
Comment: This sequence change replaces valine with methionine at codon 297 of the MMAA protein (p.Val297Met). The valine residue is moderately conserved and there is a small physicochemical difference between valine and methionine. This variant is not present in population databases (ExAC no frequency). This variant has not been reported in the literature in individuals with MMAA-related disease. Algorithms developed to predict the effect of missense changes on protein structure and function are either unavailable or do not agree on the potential impact of this missense change (SIFT: "Deleterious"; PolyPhen-2: "Possibly Damaging"; Align-GVGD: "Class C0"). In summary, the available evidence is currently insufficient to determine the role of this variant in disease. Therefore, it has been classified as a Variant of Uncertain Significance.